The following is an entry in ClinVar:

ClinVar aggregate classification (germline): Conflicting classifications of pathogenicity. Review status: criteria provided, conflicting classifications (1 of 4 stars). 2 submissions from 2 submitters: Uncertain significance (1); Likely benign (1). Last evaluated 2026-03-01.

Allele frequency attached by ClinVar (database versions not stated): gnomAD exomes 0.00006; ExAC 0.00037; gnomAD 0.00096; 1000 Genomes Project 30x 0.00125.
gnomAD v4.1: 168 of 1,197,792 alleles (0.014%); highest among the groups gnomAD compares: African/African-American, 0.25%; 1 homozygote.

Submissions (2):

CeGaT Center for Human Genetics Tuebingen
Classification: Likely benign. Last evaluated: 2026-03-01. Review status: criteria provided, single submitter. Criteria: CeGaT Center For Human Genetics Tuebingen Variant Classification Criteria Version 2. Collection method: clinical testing. Allele origin: germline. Affected: yes. Observed: 2 variant alleles.
Comment: MAGEC1: BP4, BS2

Ambry Genetics
Classification: Uncertain significance. Last evaluated: 2025-02-07. Review status: criteria provided, single submitter. Criteria: Ambry Variant Classification Scheme 2023. Collection method: clinical testing. Allele origin: germline.

NM_005462.5(MAGEC1):c.1177C>T (p.Pro393Ser)

Gene: MAGEC1 (MAGE family member C1; plus strand). Cytogenetic location: Xq27.2.
Variant type: single nucleotide variant.
Coding change: c.1177C>T on transcript NM_005462.5 (MANE Select); coding-DNA position 1177, C replaced by T.
Protein change: p.Pro393Ser; replaces proline 393 with serine.
Molecular consequence: missense variant.
Genome position (GRCh38, 1-based): chrX:141,906,581, C>T. VCF-style: chrX-141906581-C-T. GRCh37 (hg19) VCF-style: chrX-140994367-C-T.
Other names: short protein forms P393S.
Identifiers: ClinVar variation 2254746 (VCV002254746.10), dbSNP rs148715421, ClinGen allele CA10533569.